The following is an entry in ClinVar:

ClinVar aggregate classification (germline): Uncertain significance (1 of 4 stars; one submission).

Conditions:
Epidermolysis bullosa simplex 2d, generalized, intermediate or severe, autosomal recessive. Identifiers: MedGen C5562014, MONDO:0030535, OMIM 619599.

gnomAD v4.1: 17 of 1,614,202 alleles (0.0011%); highest among the groups gnomAD compares: Middle Eastern, 0.016%; no homozygotes.

Submission:

Department of Molecular Genetics, Istishari Arab Hospital
Classification: Uncertain significance for Epidermolysis bullosa simplex 2d, generalized, intermediate or severe, autosomal recessive. Last evaluated: 2026-04-08. Review status: criteria provided, single submitter. Criteria: ACMG Guidelines, 2015. Collection method: clinical testing. Allele origin: germline. Inheritance: Autosomal recessive inheritance. Affected: yes.
Comment: The KRT5 variant c.1254G>C, p.Glu418Asp creates a change in the reading frame from Glu to Asp at position 418. This variant is observed with very low frequency (<0.001) in the gnomAD v4.1.0 dataset, and to the best of our knowledge, it was not previously reported in the literature. A different amino acid change (p.Glu418Lys) was reported in a compound heterozygous patient with Epidermolysis bullosa simplex (PMID: 11973334). It is classified as a variant of uncertain significance according to the recommendations of ACMG/AMP/ClinGen SVI guidelines.

Literature cited by the submitters: PubMed 11973334.

NM_000424.4(KRT5):c.1254G>C (p.Glu418Asp)

Genes: KRT5 (keratin 5; minus strand), LOC126861525 (BRD4-independent group 4 enhancer GRCh37_chr12:52909857-52911056; plus strand). Cytogenetic location: 12q13.13.
Variant type: single nucleotide variant.
Coding change: c.1254G>C on transcript NM_000424.4 (MANE Select); coding-DNA position 1254, G replaced by C.
Protein change: p.Glu418Asp; replaces glutamic acid 418 with aspartic acid.
Molecular consequence: missense variant.
Genome position (GRCh38, 1-based): chr12:52,516,822, C>G on the plus strand (G>C on the coding strand, the complement: KRT5 is on the minus strand). VCF-style: chr12-52516822-C-G. GRCh37 (hg19) VCF-style: chr12-52910606-C-G.
Other names: p.Glu418Asp; short protein forms E418D.
Identifiers: ClinVar variation 4819538 (VCV004819538.1).
Genomic context (GRCh38, chr12:52,516,822, plus strand): 5'-GGCCTCCTCCAGCTCGGCCAGCTTGTTCCTGGCATCCTTGAGGGCCAGCTCCCCACGCTG[C>G]TCGGCATCCGCAATGGCGTTCTGCAGATTGGCGCACTACAGATAGAAAGGAGGAGAGTGG-3'
Protein context (NP_000415.2, residues 408-428): ANLQNAIADA[Glu418Asp]QRGELALKDA